The following is an entry in ClinVar:

ClinVar aggregate classification (germline): Uncertain significance (1 of 4 stars; one submission).

Conditions:
Inborn genetic diseases. Identifiers: MedGen C0950123, MeSH D030342.

Submission:

Ambry Genetics
Classification: Uncertain significance for Inborn genetic diseases. Last evaluated: 2024-12-22. Review status: criteria provided, single submitter. Criteria: Ambry Variant Classification Scheme 2023. Collection method: clinical testing. Allele origin: germline.
Comment: The p.I860V variant (also known as c.2578A>G), located in coding exon 12 of the BMPR2 gene, results from an A to G substitution at nucleotide position 2578. The isoleucine at codon 860 is replaced by valine, an amino acid with highly similar properties. This amino acid position is conserved. In addition, the in silico prediction for this alteration is inconclusive. Based on the available evidence, the clinical significance of this variant remains unclear.

NM_001204.7(BMPR2):c.2578A>G (p.Ile860Val)

Gene: BMPR2 (bone morphogenetic protein receptor type 2; plus strand). Cytogenetic location: 2q33.2.
Variant type: single nucleotide variant.
Coding change: c.2578A>G on transcript NM_001204.7 (MANE Select); coding-DNA position 2578, A replaced by G.
Protein change: p.Ile860Val; replaces isoleucine 860 with valine.
Molecular consequence: missense variant.
Genome position (GRCh38, 1-based): chr2:202,556,243, A>G. VCF-style: chr2-202556243-A-G. GRCh37 (hg19) VCF-style: chr2-203420966-A-G.
Other names: short protein forms I860V.
Identifiers: ClinVar variation 3824772 (VCV003824772.1).